The following is an entry in ClinVar:

ClinVar aggregate classification (germline): Uncertain significance. Review status: criteria provided, multiple submitters, no conflicts (2 of 4 stars). 2 submissions from 2 submitters: Uncertain significance (2). Last evaluated 2024-05-17.

Conditions:
Cardiovascular phenotype. Identifiers: MedGen CN230736.

Allele frequency attached by ClinVar (database versions not stated): TOPMed below 0.00001; gnomAD 0.00001.
gnomAD v4.1: 2 of 1,612,564 alleles (0.00012%); highest among the groups gnomAD compares: African/African-American, 0.0027%; no homozygotes.

Submissions (2):

Ambry Genetics
Classification: Uncertain significance for Cardiovascular phenotype. Last evaluated: 2024-05-17. Review status: criteria provided, single submitter. Criteria: Ambry Variant Classification Scheme 2023. Collection method: clinical testing. Allele origin: germline.
Comment: The p.G252R variant (also known as c.754G>C), located in coding exon 5 of the KCNQ1 gene, results from a G to C substitution at nucleotide position 754. The glycine at codon 252 is replaced by arginine, an amino acid with dissimilar properties. This amino acid position is highly conserved in available vertebrate species. In addition, this alteration is predicted to be deleterious by in silico analysis. Based on the available evidence, the clinical significance of this variant remains unclear.

AiLife Diagnostics
Classification: Uncertain significance. Last evaluated: 2021-07-09. Review status: criteria provided, single submitter. Criteria: ACMG Guidelines, 2015. Collection method: clinical testing. Allele origin: germline. Affected: yes. Observed: 1 variant allele.

NM_000218.3(KCNQ1):c.754G>C (p.Gly252Arg)

Gene: KCNQ1 (potassium voltage-gated channel subfamily Q member 1; plus strand). Cytogenetic location: 11p15.5.
Variant type: single nucleotide variant.
Coding change: c.754G>C on transcript NM_000218.3 (MANE Select); coding-DNA position 754, G replaced by C.
Protein change: p.Gly252Arg; replaces glycine 252 with arginine.
Molecular consequence: missense variant.
Genome position (GRCh38, 1-based): chr11:2,572,083, G>C. VCF-style: chr11-2572083-G-C. GRCh37 (hg19) VCF-style: chr11-2593313-G-C.
Other names: c.754G>C, p.Gly252Arg (NM_001406836.1); c.484G>C, p.Gly162Arg (NM_001406837.1); c.373G>C, p.Gly125Arg (NM_181798.2); short protein forms G125R, G252R, G162R.
Identifiers: ClinVar variation 1677335 (VCV001677335.4), dbSNP rs1257135185, ClinGen allele CA379131023.